The following is an entry in ClinVar:

ClinVar aggregate classification (germline): Uncertain significance. Review status: criteria provided, multiple submitters, no conflicts (2 of 4 stars). 2 submissions from 2 submitters: Uncertain significance (2). Last evaluated 2023-08-01.

gnomAD v4.1: 1 of 1,614,178 alleles (0.000062%); highest among the groups gnomAD compares: Non-Finnish European, 0.000085%; no homozygotes.

Submissions (2):

CeGaT Center for Human Genetics Tuebingen
Classification: Uncertain significance. Last evaluated: 2023-08-01. Review status: criteria provided, single submitter. Criteria: CeGaT Center For Human Genetics Tuebingen Variant Classification Criteria Version 2. Collection method: clinical testing. Allele origin: germline. Affected: yes. Observed: 1 variant allele.
Comment: SRCAP: PM2, BP1

Labcorp Genetics (formerly Invitae), Labcorp
Classification: Uncertain significance. Last evaluated: 2021-05-12. Review status: criteria provided, single submitter. Criteria: Invitae Variant Classification Sherloc (09022015). Collection method: clinical testing. Allele origin: germline.
Comment: This sequence change replaces methionine with valine at codon 2144 of the SRCAP protein (p.Met2144Val). The methionine residue is highly conserved and there is a small physicochemical difference between methionine and valine. This variant is not present in population databases (ExAC no frequency). This variant has not been reported in the literature in individuals with SRCAP-related conditions. Algorithms developed to predict the effect of missense changes on protein structure and function are either unavailable or do not agree on the potential impact of this missense change (SIFT: "Deleterious"; PolyPhen-2: "Benign"; Align-GVGD: "Class C15"). In summary, the available evidence is currently insufficient to determine the role of this variant in disease. Therefore, it has been classified as a Variant of Uncertain Significance.

NM_006662.3(SRCAP):c.6430A>G (p.Met2144Val)

Gene: SRCAP (Snf2 related CREBBP activator protein; plus strand). Cytogenetic location: 16p11.2.
Variant type: single nucleotide variant.
Coding change: c.6430A>G on transcript NM_006662.3 (MANE Select); coding-DNA position 6430, A replaced by G.
Protein change: p.Met2144Val; replaces methionine 2144 with valine.
Molecular consequence: missense variant.
Genome position (GRCh38, 1-based): chr16:30,733,734, A>G. VCF-style: chr16-30733734-A-G. GRCh37 (hg19) VCF-style: chr16-30745055-A-G.
Other names: short protein forms M2144V.
Identifiers: ClinVar variation 1350343 (VCV001350343.29), dbSNP rs2151298377, ClinGen allele CA395624572.